The following is an entry in ClinVar:

NM_001375834.1(WIPF1):c.392C>T (p.Pro131Leu)

Gene: WIPF1 (WAS/WASL interacting protein family member 1; minus strand). Cytogenetic location: 2q31.1.
Variant type: single nucleotide variant.
Coding change: c.392C>T on transcript NM_001375834.1 (MANE Select); coding-DNA position 392, C replaced by T.
Protein change: p.Pro131Leu; replaces proline 131 with leucine.
Molecular consequence: missense variant. On other transcripts: intron variant (1).
Genome position (GRCh38, 1-based): chr2:174,572,413, G>A on the plus strand (C>T on the coding strand, the complement: WIPF1 is on the minus strand). VCF-style: chr2-174572413-G-A. GRCh37 (hg19) VCF-style: chr2-175437141-G-A.
Other names: c.392C>T, p.Pro131Leu (NM_001077269.1, NM_001375832.1, NM_001375833.1 and 5 more transcripts); c.182-168C>T (NM_001375839.1); short protein forms P131L.
Identifiers: ClinVar variation 1499640 (VCV001499640.8), dbSNP rs1435025827, ClinGen allele CA349343871.

ClinVar aggregate classification (germline): Uncertain significance (1 of 4 stars; one submission).

Conditions:
Wiskott-Aldrich syndrome 2 (WAS2). Also called: WIPF1 DEFICIENCY. Identifiers: Orphanet 906, MedGen C3281001, MONDO:0013779, OMIM 614493.

Allele frequency attached by ClinVar (database versions not stated): gnomAD exomes below 0.00001.
gnomAD v4.1: 4 of 1,614,120 alleles (0.00025%); highest among the groups gnomAD compares: Non-Finnish European, 0.00025%; no homozygotes.

Submission:

Labcorp Genetics (formerly Invitae), Labcorp
Classification: Uncertain significance for Wiskott-Aldrich syndrome 2. Last evaluated: 2022-02-25. Review status: criteria provided, single submitter. Criteria: Invitae Variant Classification Sherloc (09022015). Collection method: clinical testing. Allele origin: germline.
Comment: This sequence change replaces proline, which is neutral and non-polar, with leucine, which is neutral and non-polar, at codon 131 of the WIPF1 protein (p.Pro131Leu). This variant is present in population databases (no rsID available, gnomAD 0.0009%). In summary, the available evidence is currently insufficient to determine the role of this variant in disease. Therefore, it has been classified as a Variant of Uncertain Significance. Algorithms developed to predict the effect of missense changes on protein structure and function are either unavailable or do not agree on the potential impact of this missense change (SIFT: "Not Available"; PolyPhen-2: "Probably Damaging"; Align-GVGD: "Not Available"). This variant has not been reported in the literature in individuals affected with WIPF1-related conditions.